The following is an entry in ClinVar:

NM_206933.4(USH2A):c.10953C>A (p.Tyr3651Ter)

Gene: USH2A (usherin; minus strand). Cytogenetic location: 1q41.
Variant type: single nucleotide variant.
Coding change: c.10953C>A on transcript NM_206933.4 (MANE Select); coding-DNA position 10953, C replaced by A.
Protein change: p.Tyr3651Ter; replaces tyrosine 3651 with a stop codon.
Molecular consequence: nonsense.
Genome position (GRCh38, 1-based): chr1:215,766,775, G>T on the plus strand (C>A on the coding strand, the complement: USH2A is on the minus strand). VCF-style: chr1-215766775-G-T. GRCh37 (hg19) VCF-style: chr1-215940117-G-T.
Other names: short protein forms Y3651*.
Identifiers: ClinVar variation 4817075 (VCV004817075.1).

ClinVar aggregate classification (germline): Likely pathogenic (1 of 4 stars; one submission).

Conditions:
Usher syndrome type 2A. Also called: RETINAL DISEASE IN USHER SYNDROME TYPE IIA, MODIFIER OF; USHER SYNDROME, TYPE IIA. Identifiers: Orphanet 231178, Orphanet 886, MedGen C1848634, MONDO:0010169, OMIM 276901.

gnomAD v4.1: 1 of 1,613,576 alleles (0.000062%); highest among the groups gnomAD compares: Non-Finnish European, 0.000085%; no homozygotes.

Submission:

Natera, Inc.
Classification: Likely pathogenic for Usher syndrome type 2A. Last evaluated: 2024-07-30. Review status: criteria provided, single submitter. Criteria: Natera Variant Classification Schema (03/2026). Collection method: clinical testing. Allele origin: germline.
Comment: The c.10953C>A variant in USH2A is a nonsense variant predicted to introduce a stop codon at amino acid 3651. This variant is expected to result in nonsense mediated decay, truncation, or a dysfunctional protein product. This variant is rare in the general population with a frequency below the threshold expected for the associated phenotype(s). Given the available evidence, this variant is classified as Likely Pathogenic.